The following is an entry in ClinVar:

ClinVar aggregate classification (germline): Uncertain significance (1 of 4 stars; one submission).

Submission:

Labcorp Genetics (formerly Invitae), Labcorp
Classification: Uncertain significance. Last evaluated: 2022-06-15. Review status: criteria provided, single submitter. Criteria: Invitae Variant Classification Sherloc (09022015). Collection method: clinical testing. Allele origin: germline.
Comment: This sequence change replaces serine, which is neutral and polar, with phenylalanine, which is neutral and non-polar, at codon 657 of the ELP1 protein (p.Ser657Phe). In summary, the available evidence is currently insufficient to determine the role of this variant in disease. Therefore, it has been classified as a Variant of Uncertain Significance. Algorithms developed to predict the effect of missense changes on protein structure and function are either unavailable or do not agree on the potential impact of this missense change (SIFT: "Deleterious"; PolyPhen-2: "Probably Damaging"; Align-GVGD: "Class C0"). This variant has not been reported in the literature in individuals affected with ELP1-related conditions. This variant is not present in population databases (gnomAD no frequency).

NM_003640.5(ELP1):c.1970C>T (p.Ser657Phe)

Gene: ELP1 (elongator acetyltransferase complex subunit 1; minus strand). Cytogenetic location: 9q31.3.
Variant type: single nucleotide variant.
Coding change: c.1970C>T on transcript NM_003640.5 (MANE Select); coding-DNA position 1970, C replaced by T.
Protein change: p.Ser657Phe; replaces serine 657 with phenylalanine.
Molecular consequence: missense variant.
Genome position (GRCh38, 1-based): chr9:108,901,469, G>A on the plus strand (C>T on the coding strand, the complement: ELP1 is on the minus strand). VCF-style: chr9-108901469-G-A. GRCh37 (hg19) VCF-style: chr9-111663749-G-A.
Other names: c.1628C>T, p.Ser543Phe (NM_001318360.2); c.923C>T, p.Ser308Phe (NM_001330749.2); short protein forms S543F, S657F, S308F.
Identifiers: ClinVar variation 1914442 (VCV001914442.5), dbSNP rs2537902364, ClinGen allele CA374424149.